The following is an entry in ClinVar:

ClinVar aggregate classification (germline): Likely pathogenic. Review status: criteria provided, single submitter (1 of 4 stars). 2 submissions from 2 submitters: Likely pathogenic (1). 1 of the submissions does not count toward it. Last evaluated 2023-12-21.

Conditions:
C3 glomerulonephritis. Also called: C3 GLOMERULOPATHY 3; Nephropathy due to CFHR5 Deficiency. Identifiers: Orphanet 329931, MedGen C4055342, MONDO:0013892, OMIM 614809.

Allele frequency attached by ClinVar (database versions not stated): gnomAD exomes below 0.00001 and 0.00001; ExAC 0.00001; gnomAD 0.00001; TOPMed 0.00001.
gnomAD v4.1: 9 of 1,613,186 alleles (0.00056%); highest among the groups gnomAD compares: East Asian, 0.0089%; no homozygotes.

Submissions (2):

3billion
Classification: Likely pathogenic for C3 glomerulonephritis. Last evaluated: 2023-12-21. Review status: criteria provided, single submitter. Criteria: ACMG Guidelines, 2015. Collection method: clinical testing. Allele origin: germline. Affected: yes.
Comment: The variant is observed at an extremely low frequency in the gnomAD v2.1.1 dataset (total allele frequency: <0.001%). Predicted Consequence/Location: Stop-gained (nonsense): predicted to result in a loss or disruption of normal protein function through nonsense-mediated decay (NMD) or protein truncation. Multiple pathogenic variants are reported downstream of the variant. Therefore, this variant is classified as Likely pathogenic according to the recommendation of ACMG/AMP guideline.

Gharavi Laboratory, Columbia University
Classification: Uncertain significance. Last evaluated: 2018-09-16. Review status: no assertion criteria provided. Criteria: ACMG Guidelines, 2015. Collection method: research. Allele origin: germline. Affected: no. Not counted in ClinVar's aggregate classification.

NM_030787.4(CFHR5):c.1303C>T (p.Arg435Ter)

Gene: CFHR5 (complement factor H related 5; plus strand). Cytogenetic location: 1q31.3.
Variant type: single nucleotide variant.
Coding change: c.1303C>T on transcript NM_030787.4 (MANE Select); coding-DNA position 1303, C replaced by T.
Protein change: p.Arg435Ter; replaces arginine 435 with a stop codon.
Molecular consequence: nonsense.
Genome position (GRCh38, 1-based): chr1:197,002,637, C>T. VCF-style: chr1-197002637-C-T. GRCh37 (hg19) VCF-style: chr1-196971767-C-T.
Other names: short protein forms R435*.
Identifiers: ClinVar variation 633673 (VCV000633673.2), dbSNP rs758392186, ClinGen allele CA1308015.